The following is an entry in ClinVar:

NM_001278689.2(EOGT):c.1440_1441delinsTT (p.His481Tyr)

Gene: EOGT (EGF domain specific O-linked N-acetylglucosamine transferase; minus strand). Cytogenetic location: 3p14.1.
Variant type: Indel.
Coding change: c.1440_1441delinsTT on transcript NM_001278689.2 (MANE Select); coding-DNA positions 1440 to 1441, CC replaced by TT.
Protein change: p.His481Tyr; replaces histidine 481 with tyrosine.
Molecular consequence: missense variant. On other transcripts: non-coding transcript variant (1).
Genome position (GRCh38, 1-based): chr3:68,977,761-68,977,762, GG replaced by AA on the plus strand (CC replaced by TT on the coding strand, the reverse complement: EOGT is on the minus strand). VCF-style: chr3-68977761-GG-AA. GRCh37 (hg19) VCF-style: chr3-69026912-GG-AA.
Other names: c.1188_1189delinsTT, p.His397Tyr (NM_173654.3); short protein forms H397Y, H481Y.
Identifiers: ClinVar variation 1898304 (VCV001898304.5), dbSNP rs2471373668, ClinGen allele CA2580070402.

ClinVar aggregate classification (germline): Uncertain significance (1 of 4 stars; one submission).

Conditions:
Adams-Oliver syndrome 4 (AOS4). Identifiers: Orphanet 974, MedGen C3809092, MONDO:0014124, OMIM 615297.

Submission:

Labcorp Genetics (formerly Invitae), Labcorp
Classification: Uncertain significance for Adams-Oliver syndrome 4. Last evaluated: 2023-12-11. Review status: criteria provided, single submitter. Criteria: Invitae Variant Classification Sherloc (09022015). Collection method: clinical testing. Allele origin: germline.
Comment: This sequence change replaces histidine, which is basic and polar, with tyrosine, which is neutral and polar, at codon 397 of the EOGT protein (p.His397Tyr). Information on the frequency of this variant in the gnomAD database is not available, as this variant may be reported differently in the database. This variant has not been reported in the literature in individuals affected with EOGT-related conditions. ClinVar contains an entry for this variant (Variation ID: 1898304). Experimental studies and prediction algorithms are not available or were not evaluated, and the functional significance of this variant is currently unknown. In summary, the available evidence is currently insufficient to determine the role of this variant in disease. Therefore, it has been classified as a Variant of Uncertain Significance.